The following is an entry in ClinVar:

ClinVar aggregate classification (germline): Uncertain significance. Review status: criteria provided, multiple submitters, no conflicts (2 of 4 stars). 2 submissions from 2 submitters: Uncertain significance (2). Last evaluated 2025-05-27.

Conditions:
Baller-Gerold syndrome (BGS). Also called: CRANIOSYNOSTOSIS WITH RADIAL DEFECTS. Identifiers: Orphanet 1225, MedGen C0265308, MONDO:0009039, OMIM 218600.
Inborn genetic diseases. Identifiers: MedGen C0950123, MeSH D030342.

Allele frequency attached by ClinVar (database versions not stated): gnomAD exomes below 0.00001.
gnomAD v4.1: 2 of 1,584,666 alleles (0.00013%); highest among the groups gnomAD compares: Non-Finnish European, 0.00017%; no homozygotes.

Submissions (2):

Ambry Genetics
Classification: Uncertain significance for Inborn genetic diseases. Last evaluated: 2025-05-27. Review status: criteria provided, single submitter. Criteria: Ambry Variant Classification Scheme 2023. Collection method: clinical testing. Allele origin: germline.
Comment: The p.E468K variant (also known as c.1402G>A), located in coding exon 8 of the RECQL4 gene, results from a G to A substitution at nucleotide position 1402. The glutamic acid at codon 468 is replaced by lysine, an amino acid with similar properties. This amino acid position is conserved. In addition, the in silico prediction for this alteration is inconclusive. Based on the available evidence, the clinical significance of this variant remains unclear.

Labcorp Genetics (formerly Invitae), Labcorp
Classification: Uncertain significance for Baller-Gerold syndrome. Last evaluated: 2024-12-24. Review status: criteria provided, single submitter. Criteria: Invitae Variant Classification Sherloc (09022015). Collection method: clinical testing. Allele origin: germline.
Comment: This sequence change replaces glutamic acid, which is acidic and polar, with lysine, which is basic and polar, at codon 468 of the RECQL4 protein (p.Glu468Lys). This variant is not present in population databases (gnomAD no frequency). This variant has not been reported in the literature in individuals affected with RECQL4-related conditions. ClinVar contains an entry for this variant (Variation ID: 2956332). Invitae Evidence Modeling of protein sequence and biophysical properties (such as structural, functional, and spatial information, amino acid conservation, physicochemical variation, residue mobility, and thermodynamic stability) indicates that this missense variant is expected to disrupt RECQL4 protein function with a positive predictive value of 80%. In summary, the available evidence is currently insufficient to determine the role of this variant in disease. Therefore, it has been classified as a Variant of Uncertain Significance.

NM_004260.4(RECQL4):c.1402G>A (p.Glu468Lys)

Gene: RECQL4 (RecQ like helicase 4; minus strand). Cytogenetic location: 8q24.3.
Variant type: single nucleotide variant.
Coding change: c.1402G>A on transcript NM_004260.4 (MANE Select); coding-DNA position 1402, G replaced by A.
Protein change: p.Glu468Lys; replaces glutamic acid 468 with lysine.
Molecular consequence: missense variant. On other transcripts: 5 prime UTR variant (1), non-coding transcript variant (3).
Genome position (GRCh38, 1-based): chr8:144,515,231, C>T on the plus strand (G>A on the coding strand, the complement: RECQL4 is on the minus strand). VCF-style: chr8-144515231-C-T. GRCh37 (hg19) VCF-style: chr8-145740615-C-T.
Other names: c.1306G>A, p.Glu436Lys (NM_001413017.1, NM_001413020.1); c.1402G>A, p.Glu468Lys (NM_001413018.1, NM_001413019.1, NM_001413033.1 and 2 more transcripts); c.331G>A, p.Glu111Lys (NM_001413021.1, NM_001413022.1, NM_001413023.1 and 8 more transcripts); c.1273G>A, p.Glu425Lys (NM_001413025.1); c.265G>A, p.Glu89Lys (NM_001413027.1, NM_001413030.1, NM_001413041.1 and 2 more transcripts); c.1051G>A, p.Glu351Lys (NM_001413029.1); c.-66G>A (NM_001413043.1); c.1402G>A (NM_004260.3); short protein forms E111K, E89K, E351K, E436K, E425K, E468K.
Identifiers: ClinVar variation 2956332 (VCV002956332.4), dbSNP rs2130706482, ClinGen allele CA372685056.
Genomic context (GRCh38, chr8:144,515,231, plus strand): 5'-CACGCTCCTGCCCAGGGCGAAAGGCTTGGTGCCCCAGCTGCTCCAGGGCCTGGAACACCT[C>T]AGCCGGCGTCTCTGCAGACACAGATGTTGATCACCATGACTTGAGTCACCCCAACCCCTC-3'
Protein context (NP_004251.4, residues 458-478): PSGQLAETPA[Glu468Lys]VFQALEQLGH